The following is an entry in ClinVar:

ClinVar aggregate classification (germline): Uncertain significance (1 of 4 stars; one submission).

Conditions:
Hereditary pancreatitis (PCTT). Also called: Hereditary chronic pancreatitis; PRSS1-Related Hereditary Pancreatitis. Identifiers: Orphanet 676, MedGen C0238339, MONDO:0008185, OMIM 167800.

Submission:

Ambry Genetics
Classification: Uncertain significance for Hereditary pancreatitis. Last evaluated: 2025-07-17. Review status: criteria provided, single submitter. Criteria: Ambry Variant Classification Scheme 2023. Collection method: clinical testing. Allele origin: germline.
Comment: The p.N233T variant (also known as c.698A>C), located in coding exon 7 of the CPA1 gene, results from an A to C substitution at nucleotide position 698. The asparagine at codon 233 is replaced by threonine, an amino acid with similar properties. This amino acid position is conserved. In addition, this alteration is predicted to be tolerated by in silico analysis. Based on the available evidence, the clinical significance of this variant remains unclear.

NM_001868.4(CPA1):c.698A>C (p.Asn233Thr)

Gene: CPA1 (carboxypeptidase A1; plus strand). Cytogenetic location: 7q32.2.
Variant type: single nucleotide variant.
Coding change: c.698A>C on transcript NM_001868.4 (MANE Select); coding-DNA position 698, A replaced by C.
Protein change: p.Asn233Thr; replaces asparagine 233 with threonine.
Molecular consequence: missense variant.
Genome position (GRCh38, 1-based): chr7:130,384,537, A>C. VCF-style: chr7-130384537-A-C. GRCh37 (hg19) VCF-style: chr7-130024378-A-C.
Other names: short protein forms N233T.
Identifiers: ClinVar variation 4233093 (VCV004233093.1).